The following is an entry in ClinVar:

NM_000530.8(MPZ):c.392A>G (p.Asn131Ser)

Gene: MPZ (myelin protein zero; minus strand). Cytogenetic location: 1q23.3.
Variant type: single nucleotide variant.
Coding change: c.392A>G on transcript NM_000530.8 (MANE Select); coding-DNA position 392, A replaced by G.
Protein change: p.Asn131Ser; replaces asparagine 131 with serine.
Molecular consequence: missense variant.
Genome position (GRCh38, 1-based): chr1:161,306,764, T>C on the plus strand (A>G on the coding strand, the complement: MPZ is on the minus strand). VCF-style: chr1-161306764-T-C. GRCh37 (hg19) VCF-style: chr1-161276554-T-C.
Other names: c.392A>G, p.Asn131Ser (NM_001315491.2); c.392A>G (LRG_256t1); short protein forms N131S.
Identifiers: ClinVar variation 637784 (VCV000637784.9), dbSNP rs1571818819, ClinGen allele CA343348748.

ClinVar aggregate classification (germline): Pathogenic. Review status: criteria provided, single submitter (1 of 4 stars). 2 submissions from 2 submitters: Pathogenic (1). 1 of the submissions does not count toward it. Last evaluated 2020-08-06.

Conditions:
Charcot-Marie-Tooth disease, type I (CMT1). Also called: Charcot-Marie-Tooth disease type 1; Charcot-Marie-Tooth, Type 1. Identifiers: Orphanet 65753, MedGen C0751036, MONDO:0019011.
Charcot-Marie-Tooth disease. Also called: Charcot-Marie-Tooth Hereditary Neuropathy; Charcot-Marie-Tooth Neuropathy. Identifiers: Orphanet 166, MedGen C0007959, MONDO:0015626.

Submissions (2):

Labcorp Genetics (formerly Invitae), Labcorp
Classification: Pathogenic for Charcot-Marie-Tooth disease, type I. Last evaluated: 2020-08-06. Review status: criteria provided, single submitter. Criteria: Invitae Variant Classification Sherloc (09022015). Collection method: clinical testing. Allele origin: germline.
Comment: This sequence change replaces asparagine with serine at codon 131 of the MPZ protein (p.Asn131Ser). The asparagine residue is highly conserved and there is a small physicochemical difference between asparagine and serine. This variant is not present in population databases (ExAC no frequency). This variant has been observed in individual(s) with clinical features of Charcot-Marie-Tooth disease (PMID: 20621479, 21940171, Invitae). ClinVar contains an entry for this variant (Variation ID: 637784). Algorithms developed to predict the effect of missense changes on protein structure and function (SIFT, PolyPhen-2, Align-GVGD) all suggest that this variant is likely to be disruptive, but these predictions have not been confirmed by published functional studies and their clinical significance is uncertain. Algorithms developed to predict the effect of sequence changes on RNA splicing suggest that this variant may create or strengthen a splice site, but this prediction has not been confirmed by published transcriptional studies. This variant disrupts the p.Asn131 amino acid residue in MPZ. Other variant(s) that disrupt this residue have been determined to be pathogenic (PMID: 10553995, 12940837). This suggests that this residue is clinically significant, and that variants that disrupt this residue are likely to be disease-causing. For these reasons, this variant has been classified as Pathogenic.

Inherited Neuropathy Consortium
Classification: Uncertain significance for Charcot-Marie-Tooth disease. Review status: no assertion criteria provided. Collection method: literature only. Allele origin: germline. Affected: yes. Not counted in ClinVar's aggregate classification.

Literature cited by the submitters: PubMed 20621479 (cited by Labcorp Genetics (formerly Invitae), Labcorp and Inherited Neuropathy Consortium); PubMed 21940171 (cited by Labcorp Genetics (formerly Invitae), Labcorp); PubMed 10553995 (cited by Labcorp Genetics (formerly Invitae), Labcorp); PubMed 12940837 (cited by Labcorp Genetics (formerly Invitae), Labcorp).